The following is an entry in ClinVar:

ClinVar aggregate classification (germline): Uncertain significance (1 of 4 stars; one submission).

Conditions:
Immunodeficiency. Identifiers: MedGen C0021051, MONDO:0021094, HP:0002721.

Allele frequency attached by ClinVar (database versions not stated): gnomAD exomes below 0.00001; gnomAD 0.00001; TOPMed 0.00001.
gnomAD v4.1: 5 of 1,614,014 alleles (0.00031%); highest among the groups gnomAD compares: Admixed American, 0.0067%; no homozygotes.

Submission:

Labcorp Genetics (formerly Invitae), Labcorp
Classification: Uncertain significance for Immunodeficiency. Last evaluated: 2023-08-17. Review status: criteria provided, single submitter. Criteria: Invitae Variant Classification Sherloc (09022015). Collection method: clinical testing. Allele origin: germline.
Comment: In summary, the available evidence is currently insufficient to determine the role of this variant in disease. Therefore, it has been classified as a Variant of Uncertain Significance. An algorithm developed to predict the effect of missense changes on protein structure and function (PolyPhen-2) suggests that this variant is likely to be tolerated. ClinVar contains an entry for this variant (Variation ID: 1966082). This variant has not been reported in the literature in individuals affected with NFAT5-related conditions. This variant is present in population databases (no rsID available, gnomAD 0.006%). This sequence change replaces glutamine, which is neutral and polar, with arginine, which is basic and polar, at codon 999 of the NFAT5 protein (p.Gln999Arg).

NM_138713.4(NFAT5):c.3278A>G (p.Gln1093Arg)

Gene: NFAT5 (nuclear factor of activated T cells 5; plus strand). Cytogenetic location: 16q22.1.
Variant type: single nucleotide variant.
Coding change: c.3278A>G on transcript NM_138713.4 (MANE Select); coding-DNA position 3278, A replaced by G.
Protein change: p.Gln1093Arg; replaces glutamine 1093 with arginine.
Molecular consequence: missense variant.
Genome position (GRCh38, 1-based): chr16:69,693,103, A>G. VCF-style: chr16-69693103-A-G. GRCh37 (hg19) VCF-style: chr16-69727006-A-G.
Other names: c.3275A>G, p.Gln1092Arg (NM_001113178.3); c.2603A>G, p.Gln868Arg (NM_001367709.1); c.3224A>G, p.Gln1075Arg (NM_006599.4); c.2996A>G, p.Gln999Arg (NM_138714.4, NM_173214.3, NM_173215.3); short protein forms Q1092R, Q868R, Q1093R, Q999R, Q1075R.
Identifiers: ClinVar variation 1966082 (VCV001966082.5), dbSNP rs1274697643, ClinGen allele CA396512660.